The following is an entry in ClinVar:

ClinVar aggregate classification (germline): Uncertain significance (1 of 4 stars; one submission).

gnomAD v4.1: 2 of 1,614,198 alleles (0.00012%); highest among the groups gnomAD compares: Non-Finnish European, 0.00017%; no homozygotes.

Submission:

Ambry Genetics
Classification: Uncertain significance. Last evaluated: 2025-04-14. Review status: criteria provided, single submitter. Criteria: Ambry Variant Classification Scheme 2023. Collection method: clinical testing. Allele origin: germline.
Comment: The p.F245L variant (also known as c.733T>C), located in coding exon 6 of the PKP4 gene, results from a T to C substitution at nucleotide position 733. The phenylalanine at codon 245 is replaced by leucine, an amino acid with highly similar properties. This amino acid position is conserved. In addition, this alteration is predicted to be tolerated by in silico analysis. Based on the available evidence, the clinical significance of this variant remains unclear.

NM_003628.6(PKP4):c.733T>C (p.Phe245Leu)

Gene: PKP4 (plakophilin 4; plus strand). Cytogenetic location: 2q24.1.
Variant type: single nucleotide variant.
Coding change: c.733T>C on transcript NM_003628.6 (MANE Select); coding-DNA position 733, T replaced by C.
Protein change: p.Phe245Leu; replaces phenylalanine 245 with leucine.
Molecular consequence: missense variant. On other transcripts: 5 prime UTR variant (1).
Genome position (GRCh38, 1-based): chr2:158,625,007, T>C. VCF-style: chr2-158625007-T-C. GRCh37 (hg19) VCF-style: chr2-159481519-T-C.
Other names: c.733T>C, p.Phe245Leu (NM_001005476.4, NM_001304969.3, NM_001304971.2 and 6 more transcripts); c.-294T>C (NM_001304970.3); c.727T>C, p.Phe243Leu (NM_001377222.1, NM_001377223.1, NM_001377224.1); short protein forms F243L, F245L.
Identifiers: ClinVar variation 3933363 (VCV003933363.1).
Genomic context (GRCh38, chr2:158,625,007, plus strand): 5'-GTTATCAGCACAGGCGTGTCTCCTTCAAGGGGGTCTCTGAGAACTTCTCTGGGTAGTGGA[T>C]TTGGCTCTCCGTCAGTGACCGACCCCCGACCTCTGAACCCCAGTGCATATTCCTCCACCA-3'
Protein context (NP_003619.2, residues 235-255): GSLRTSLGSG[Phe245Leu]GSPSVTDPRP